The following is an entry in ClinVar:

NM_001330260.2(SCN8A):c.1174G>A (p.Val392Ile)

Gene: SCN8A (sodium voltage-gated channel alpha subunit 8; plus strand). Cytogenetic location: 12q13.13.
Variant type: single nucleotide variant.
Coding change: c.1174G>A on transcript NM_001330260.2 (MANE Select); coding-DNA position 1174, G replaced by A.
Protein change: p.Val392Ile; replaces valine 392 with isoleucine.
Molecular consequence: missense variant.
Genome position (GRCh38, 1-based): chr12:51,705,456, G>A. VCF-style: chr12-51705456-G-A. GRCh37 (hg19) VCF-style: chr12-52099240-G-A.
Other names: c.1174G>A, p.Val392Ile (NM_001177984.3, NM_001369788.1, NM_014191.4); short protein forms V392I.
Identifiers: ClinVar variation 1943927 (VCV001943927.9), dbSNP rs752265946, ClinGen allele CA6571229.

ClinVar aggregate classification (germline): Conflicting classifications of pathogenicity. Review status: criteria provided, conflicting classifications (1 of 4 stars). 2 submissions from 2 submitters: Likely pathogenic (1); Uncertain significance (1). Last evaluated 2026-03-01.

Conditions:
Early-infantile DEE. Also called: Early infantile epileptic encephalopathy with suppression bursts; Ohtahara syndrome; Early infantile epileptic encephalopathy. Identifiers: Orphanet 1934, MedGen C0393706, MONDO:0800491.

Allele frequency attached by ClinVar (database versions not stated): gnomAD exomes below 0.00001; ExAC 0.00001.

Submissions (2):

CeGaT Center for Human Genetics Tuebingen
Classification: Likely pathogenic. Last evaluated: 2026-03-01. Review status: criteria provided, single submitter. Criteria: CeGaT Center For Human Genetics Tuebingen Variant Classification Criteria Version 2. Collection method: clinical testing. Allele origin: germline. Affected: yes. Observed: 1 variant allele.
Comment: SCN8A: PM1, PM2, PP2, PP3

Labcorp Genetics (formerly Invitae), Labcorp
Classification: Uncertain significance for Early-infantile DEE. Last evaluated: 2025-10-27. Review status: criteria provided, single submitter. Criteria: Invitae Variant Classification Sherloc (09022015). Collection method: clinical testing. Allele origin: germline.
Comment: This sequence change replaces valine, which is neutral and non-polar, with isoleucine, which is neutral and non-polar, at codon 392 of the SCN8A protein (p.Val392Ile). This variant is present in population databases (rs752265946, gnomAD 0.0009%). This variant has not been reported in the literature in individuals affected with SCN8A-related conditions. ClinVar contains an entry for this variant (Variation ID: 1943927). Invitae Evidence Modeling of protein sequence and biophysical properties (such as structural, functional, and spatial information, amino acid conservation, physicochemical variation, residue mobility, and thermodynamic stability) indicates that this missense variant is not expected to disrupt SCN8A protein function with a negative predictive value of 95%. In summary, the available evidence is currently insufficient to determine the role of this variant in disease. Therefore, it has been classified as a Variant of Uncertain Significance.